The following is an entry in ClinVar:

ClinVar aggregate classification (germline): Uncertain significance. Review status: criteria provided, multiple submitters, no conflicts (2 of 4 stars). 2 submissions from 2 submitters: Uncertain significance (2). Last evaluated 2025-02-10.

Allele frequency attached by ClinVar (database versions not stated): gnomAD exomes below 0.00001; TOPMed below 0.00001; ExAC 0.00001; gnomAD 0.00001.
gnomAD v4.1: 4 of 1,613,994 alleles (0.00025%); highest among the groups gnomAD compares: African/African-American, 0.0013%; no homozygotes.

Submissions (2):

GeneDx
Classification: Uncertain significance. Last evaluated: 2025-02-10. Review status: criteria provided, single submitter. Criteria: GeneDx Variant Classification Process June 2021. Collection method: clinical testing. Allele origin: germline. Affected: yes.
Comment: Not observed at significant frequency in large population cohorts (gnomAD); In silico analysis supports that this missense variant has a deleterious effect on protein structure/function; Has not been previously published as pathogenic or benign to our knowledge

Labcorp Genetics (formerly Invitae), Labcorp
Classification: Uncertain significance. Last evaluated: 2022-09-07. Review status: criteria provided, single submitter. Criteria: Invitae Variant Classification Sherloc (09022015). Collection method: clinical testing. Allele origin: germline.
Comment: This variant is present in population databases (rs766820164, gnomAD 0.003%). In summary, the available evidence is currently insufficient to determine the role of this variant in disease. Therefore, it has been classified as a Variant of Uncertain Significance. Algorithms developed to predict the effect of missense changes on protein structure and function (SIFT, PolyPhen-2, Align-GVGD) all suggest that this variant is likely to be disruptive. This variant has not been reported in the literature in individuals affected with LAMC3-related conditions. This sequence change replaces tyrosine, which is neutral and polar, with cysteine, which is neutral and slightly polar, at codon 132 of the LAMC3 protein (p.Tyr132Cys).

NM_006059.4(LAMC3):c.395A>G (p.Tyr132Cys)

Gene: LAMC3 (laminin subunit gamma 3; plus strand). Cytogenetic location: 9q34.12.
Variant type: single nucleotide variant.
Coding change: c.395A>G on transcript NM_006059.4 (MANE Select); coding-DNA position 395, A replaced by G.
Protein change: p.Tyr132Cys; replaces tyrosine 132 with cysteine.
Molecular consequence: missense variant.
Genome position (GRCh38, 1-based): chr9:131,026,306, A>G. VCF-style: chr9-131026306-A-G. GRCh37 (hg19) VCF-style: chr9-133901693-A-G.
Other names: c.395A>G (NM_006059.3); short protein forms Y132C.
Identifiers: ClinVar variation 1960279 (VCV001960279.6), dbSNP rs766820164, ClinGen allele CA5286680.